The following is an entry in ClinVar:

NM_000400.4(ERCC2):c.298G>A (p.Glu100Lys)

Gene: ERCC2 (ERCC excision repair 2, TFIIH core complex helicase subunit; minus strand). Cytogenetic location: 19q13.32.
Variant type: single nucleotide variant.
Coding change: c.298G>A on transcript NM_000400.4 (MANE Select); coding-DNA position 298, G replaced by A.
Protein change: p.Glu100Lys; replaces glutamic acid 100 with lysine.
Molecular consequence: missense variant.
Genome position (GRCh38, 1-based): chr19:45,368,692, C>T on the plus strand (G>A on the coding strand, the complement: ERCC2 is on the minus strand). VCF-style: chr19-45368692-C-T. GRCh37 (hg19) VCF-style: chr19-45871950-C-T.
Other names: c.226G>A, p.Glu76Lys (NM_001130867.2); short protein forms E76K, E100K.
Identifiers: ClinVar variation 1798504 (VCV001798504.2), dbSNP rs964247601, ClinGen allele CA308973747.
Genomic context (GRCh38, chr19:45,368,692, plus strand): 5'-CAGGGTGAATACACAAGTTTTTGCGGGAGCTCAGAGCCAGTCCCAGAAACGGCAGCTTCT[C>T]GCCCTCCTGCTTCTCATAGAAGTTGAGCAACTTTCGAAGCTCTTCAATCACCTACTCCAA-3'
Protein context (NP_000391.1, residues 90-110): LLNFYEKQEG[Glu100Lys]KLPFLGLALS

ClinVar aggregate classification (germline): Uncertain significance (1 of 4 stars; one submission).

Conditions:
Inborn genetic diseases. Identifiers: MedGen C0950123, MeSH D030342.

Allele frequency attached by ClinVar (database versions not stated): TOPMed below 0.00001; gnomAD exomes 0.00001.
gnomAD v4.1: 11 of 1,614,132 alleles (0.00068%); highest among the groups gnomAD compares: Admixed American, 0.0017%; no homozygotes.

Submission:

Ambry Genetics
Classification: Uncertain significance for Inborn genetic diseases. Last evaluated: 2024-03-24. Review status: criteria provided, single submitter. Criteria: Ambry Variant Classification Scheme 2023. Collection method: clinical testing. Allele origin: germline.
Comment: The p.E100K variant (also known as c.298G>A), located in coding exon 5 of the ERCC2 gene, results from a G to A substitution at nucleotide position 298. The glutamic acid at codon 100 is replaced by lysine, an amino acid with similar properties. This amino acid position is conserved. In addition, the in silico prediction for this alteration is inconclusive. Since supporting evidence is limited at this time, the clinical significance of this alteration remains unclear.